The following is an entry in ClinVar:

ClinVar aggregate classification (germline): Uncertain significance (1 of 4 stars; one submission).

Conditions:
Emery-Dreifuss muscular dystrophy (EDMD). Also called: Scapuloperoneal syndrome, X-linked (formerly); Humeroperoneal neuromuscular disease, (formerly). Identifiers: Orphanet 261, MedGen C0410189, MONDO:0016830.

gnomAD v4.1: 11 of 1,614,230 alleles (0.00068%); highest among the groups gnomAD compares: Admixed American, 0.0017%; no homozygotes.

Submission:

Labcorp Genetics (formerly Invitae), Labcorp
Classification: Uncertain significance for Emery-Dreifuss muscular dystrophy. Last evaluated: 2025-06-01. Review status: criteria provided, single submitter. Criteria: Invitae Variant Classification Sherloc (09022015). Collection method: clinical testing. Allele origin: germline.
Comment: This sequence change replaces arginine, which is basic and polar, with tryptophan, which is neutral and slightly polar, at codon 560 of the SUN1 protein (p.Arg560Trp). This variant is present in population databases (rs770376876, gnomAD 0.003%). This variant has not been reported in the literature in individuals affected with SUN1-related conditions. An algorithm developed to predict the effect of missense changes on protein structure and function (PolyPhen-2) suggests that this variant is likely to be disruptive. In summary, the available evidence is currently insufficient to determine the role of this variant in disease. Therefore, it has been classified as a Variant of Uncertain Significance.

NM_001130965.3(SUN1):c.1678C>T (p.Arg560Trp)

Gene: SUN1 (Sad1 and UNC84 domain containing 1; plus strand). Cytogenetic location: 7p22.3.
Variant type: single nucleotide variant.
Coding change: c.1678C>T on transcript NM_001130965.3 (MANE Select); coding-DNA position 1678, C replaced by T.
Protein change: p.Arg560Trp; replaces arginine 560 with tryptophan.
Molecular consequence: missense variant. On other transcripts: non-coding transcript variant (3).
Genome position (GRCh38, 1-based): chr7:860,281, C>T. VCF-style: chr7-860281-C-T. GRCh37 (hg19) VCF-style: chr7-899918-C-T.
Other names: c.964C>T, p.Arg322Trp (NM_001367658.1); c.1495C>T, p.Arg499Trp (NM_001367660.1); c.1525C>T, p.Arg509Trp (NM_001367662.1, NM_001367671.1); c.1789C>T, p.Arg597Trp (NM_001367664.1, NM_001367685.1); c.1675C>T, p.Arg559Trp (NM_001367665.1, NM_001367694.1); c.1921C>T, p.Arg641Trp (NM_001367666.1); c.1639C>T, p.Arg547Trp (NM_001367667.1, NM_001367689.1); c.1720C>T, p.Arg574Trp (NM_001367668.1, NM_001367647.1); and 43 more; short protein forms R322W, R371W, R407W, R443W, R457W, R477W, R499W, R504W.
Identifiers: ClinVar variation 4804314 (VCV004804314.1).